The following is an entry in ClinVar:

NC_012920.1(MT-CYB):m.15259C>T

Gene: MT-CYB (mitochondrially encoded cytochrome b; plus strand).
Variant type: single nucleotide variant.
Genome position: chrM-15259-C-T.
Identifiers: ClinVar variation 143923 (VCV000143923.3), dbSNP rs527236207, ClinGen allele CA170537.

ClinVar aggregate classification (germline): Benign. Review status: criteria provided, single submitter (1 of 4 stars). 2 submissions from 2 submitters: Benign (1). 1 of the submissions does not count toward it. Last evaluated 2022-05-04.

Conditions:
Ovarian neoplasm. Also called: Ovarian tumor; Neoplasm of ovary; Ovarian Neoplasms. Identifiers: MedGen C0919267, MeSH D010051, MONDO:0021068, HP:0100615.

Submissions (2):

Mendelics
Classification: Benign. Last evaluated: 2022-05-04. Review status: criteria provided, single submitter. Criteria: Mendelics Assertion Criteria 2019. Collection method: clinical testing. Allele origin: germline.

Department of Zoology Govt. MVM College
Classification: Likely pathogenic for Neoplasm of ovary. Review status: no assertion criteria provided. Collection method: not provided. Allele origin: unknown. Not counted in ClinVar's aggregate classification.
Comment: KM276972;KM276946;KM275488;KM276954;KM276959
ClinVar note: Converted during submission from probable-pathogenic to Likely pathogenic.